The following is an entry in ClinVar:

NM_015046.7(SETX):c.5591_5592del (p.Gln1864fs)

Gene: SETX (senataxin; minus strand). Cytogenetic location: 9q34.13.
Variant type: Deletion.
Coding change: c.5591_5592del on transcript NM_015046.7 (MANE Select); coding-DNA positions 5591 to 5592, 2 bases deleted (AA; older notation c.5591_5592delAA).
Protein change: p.Gln1864fs; shifts the reading frame from glutamine 1864.
Molecular consequence: frameshift variant.
Genome position (GRCh38, 1-based): chr9:132,298,269-132,298,270, TT deleted on the plus strand (AA on the coding strand, the reverse complement: SETX is on the minus strand). VCF-style (leftmost placement, unchanged base first): chr9-132298268-CTT-C. GRCh37 (hg19) VCF-style: chr9-135173655-CTT-C.
Other names: c.5591_5592del, p.Gln1864fs (NM_001351527.2, NM_001351528.2); c.5591_5592delAA (NM_015046.7); short protein forms Q1864fs.
Identifiers: ClinVar variation 448337 (VCV000448337.12), dbSNP rs776470487, ClinGen allele CA5296938.

ClinVar aggregate classification (germline): Pathogenic/Likely pathogenic. Review status: criteria provided, multiple submitters, no conflicts (2 of 4 stars). 6 submissions from 6 submitters: Pathogenic (4); Likely pathogenic (2). Last evaluated 2025-10-30.

Conditions:
Hereditary ataxia. Also called: Hereditary Ataxias. Identifiers: Orphanet 183518, MedGen C0004138, MONDO:0100309, MONDO:0000557.
Inborn genetic diseases. Identifiers: MedGen C0950123, MeSH D030342.
Spinocerebellar ataxia, autosomal recessive, with axonal neuropathy 2 (SCAN2). Also called: Ataxia-ocular apraxia-2; Ataxia with Oculomotor Apraxia; Ataxia with Oculomotor Apraxia Type 2; ATAXIA-OCULOMOTOR APRAXIA 2. Identifiers: Orphanet 64753, MedGen C1853761, MONDO:0018996, OMIM 606002.

Allele frequency attached by ClinVar (database versions not stated): gnomAD exomes 0.00001 and 0.00002; gnomAD 0.00003 and 0.00004; TOPMed 0.00003; ExAC 0.00004; ESP Exome Variant Server 0.00032.

Submissions (6):

GeneDx
Classification: Pathogenic. Last evaluated: 2025-10-30. Review status: criteria provided, single submitter. Criteria: GeneDx Variant Classification Process June 2021. Collection method: clinical testing. Allele origin: germline. Affected: yes.
Comment: Frameshift variant predicted to result in protein truncation or nonsense mediated decay in a gene for which loss-of-function is a known mechanism of disease; This variant is associated with the following publications: (PMID: 31429931)

First Genomix Gene Laboratory, Genetic Diagnostics Department
Classification: Pathogenic for Spinocerebellar ataxia, autosomal recessive, with axonal neuropathy 2. Last evaluated: 2025-01-11. Review status: criteria provided, single submitter. Criteria: ACMG Guidelines, 2015. Collection method: clinical testing. Allele origin: germline. Inheritance: Autosomal recessive inheritance. Affected: no. Observed: 1 variant allele.

Genome-Nilou Lab
Classification: Likely pathogenic for Spinocerebellar ataxia, autosomal recessive, with axonal neuropathy 2. Last evaluated: 2023-02-08. Review status: criteria provided, single submitter. Criteria: ACMG Guidelines, 2015. Collection method: clinical testing. Allele origin: germline.

Ambry Genetics
Classification: Pathogenic for Inborn genetic diseases. Last evaluated: 2022-05-12. Review status: criteria provided, single submitter. Criteria: Ambry Variant Classification Scheme 2023. Collection method: clinical testing. Allele origin: germline.
Comment: The c.5591_5592delAA variant, located in coding exon 11 of the SETX gene, results from a deletion of two nucleotides at nucleotide positions 5591 to 5592, causing a translational frameshift with a predicted alternate stop codon (p.Q1864Rfs*34). This variant has been detected in the homozygous state in a patient with spinocerebellar ataxia with axonal neuropathy 2 (SCAN2) (Shakya S et al. Clin Genet, 2019 12;96:566-574). This alteration is expected to result in loss of function by premature protein truncation or nonsense-mediated mRNA decay. Based on the supporting evidence, this variant is expected to be causative of SCAN2 when present along with a second pathogenic variant on the other allele; however, its clinical significance for autosomal dominant (AD) juvenile amyotrophic lateral sclerosis 4 (ALS4) is unclear.

AURAGEN, Plan France Médecine Génomique
Classification: Pathogenic for Hereditary ataxia. Last evaluated: 2021-08-31. Review status: criteria provided, single submitter. Criteria: PFMG2025 (Lancet Reg Health Eur. 2025). Collection method: clinical testing. Allele origin: germline. Affected: yes.

Athena Diagnostics
Classification: Likely pathogenic. Last evaluated: 2016-12-31. Review status: criteria provided, single submitter. Criteria: Athena Diagnostics Criteria. Collection method: clinical testing. Allele origin: germline.

Literature cited by the submitters: PubMed 31429931 (cited by Ambry Genetics).